The following is an entry in ClinVar:

ClinVar aggregate classification (germline): Uncertain significance. Review status: criteria provided, multiple submitters, no conflicts (2 of 4 stars). 2 submissions from 2 submitters: Uncertain significance (2). Last evaluated 2025-11-02.

Allele frequency attached by ClinVar (database versions not stated): gnomAD exomes 0.00001; TOPMed 0.00002; ExAC 0.00003.
gnomAD v4.1: 6 of 1,614,210 alleles (0.00037%); highest among the groups gnomAD compares: Admixed American, 0.0083%; no homozygotes.

Submissions (2):

Labcorp Genetics (formerly Invitae), Labcorp
Classification: Uncertain significance. Last evaluated: 2025-11-02. Review status: criteria provided, single submitter. Criteria: Invitae Variant Classification Sherloc (09022015). Collection method: clinical testing. Allele origin: germline.
Comment: This sequence change replaces lysine, which is basic and polar, with arginine, which is basic and polar, at codon 516 of the MICAL1 protein (p.Lys516Arg). This variant is present in population databases (rs751203974, gnomAD 0.01%). This variant has not been reported in the literature in individuals affected with MICAL1-related conditions. ClinVar contains an entry for this variant (Variation ID: 1992000). An algorithm developed to predict the effect of missense changes on protein structure and function (PolyPhen-2) suggests that this variant is likely to be tolerated. In summary, the available evidence is currently insufficient to determine the role of this variant in disease. Therefore, it has been classified as a Variant of Uncertain Significance.

Ambry Genetics
Classification: Uncertain significance. Last evaluated: 2024-01-22. Review status: criteria provided, single submitter. Criteria: Ambry Variant Classification Scheme 2023. Collection method: clinical testing. Allele origin: germline.

NM_022765.4(MICAL1):c.1490A>G (p.Lys497Arg)

Gene: MICAL1 (microtubule associated monooxygenase, calponin and LIM domain containing 1; minus strand). Cytogenetic location: 6q21.
Variant type: single nucleotide variant.
Coding change: c.1490A>G on transcript NM_022765.4 (MANE Select); coding-DNA position 1490, A replaced by G.
Protein change: p.Lys497Arg; replaces lysine 497 with arginine.
Molecular consequence: missense variant.
Genome position (GRCh38, 1-based): chr6:109,449,426, T>C on the plus strand (A>G on the coding strand, the complement: MICAL1 is on the minus strand). VCF-style: chr6-109449426-T-C. GRCh37 (hg19) VCF-style: chr6-109770629-T-C.
Other names: c.1490A>G (NM_022765.3); c.1232A>G, p.Lys411Arg (NM_001159291.2); c.1547A>G, p.Lys516Arg (NM_001286613.2); short protein forms K516R, K411R, K497R.
Identifiers: ClinVar variation 1992000 (VCV001992000.5), dbSNP rs751203974, ClinGen allele CA3953375.